The following is an entry in ClinVar:

NM_003126.4(SPTA1):c.6452G>T (p.Arg2151Ile)

Gene: SPTA1 (spectrin alpha, erythrocytic 1; minus strand). Cytogenetic location: 1q23.1.
Variant type: single nucleotide variant.
Coding change: c.6452G>T on transcript NM_003126.4 (MANE Select); coding-DNA position 6452, G replaced by T.
Protein change: p.Arg2151Ile; replaces arginine 2151 with isoleucine.
Molecular consequence: missense variant.
Genome position (GRCh38, 1-based): chr1:158,619,300, C>A on the plus strand (G>T on the coding strand, the complement: SPTA1 is on the minus strand). VCF-style: chr1-158619300-C-A. GRCh37 (hg19) VCF-style: chr1-158589090-C-A.
Other names: p.Arg2151Ile; short protein forms R2151I.
Identifiers: ClinVar variation 2682663 (VCV002682663.4), dbSNP rs202169454, ClinGen allele CA343017274.

ClinVar aggregate classification (germline): Conflicting classifications of pathogenicity. Review status: criteria provided, conflicting classifications (1 of 4 stars). 3 submissions from 3 submitters: Uncertain significance (2); Likely benign (1). Last evaluated 2024-07-26.

Allele frequency attached by ClinVar (database versions not stated): gnomAD 0.00001; TOPMed 0.00002.
gnomAD v4.1: 5 of 1,614,038 alleles (0.00031%); highest among the groups gnomAD compares: African/African-American, 0.0053%; no homozygotes.

Submissions (3):

Labcorp Genetics (formerly Invitae), Labcorp
Classification: Likely benign. Last evaluated: 2024-07-26. Review status: criteria provided, single submitter. Criteria: Invitae Variant Classification Sherloc (09022015). Collection method: clinical testing. Allele origin: germline.

Revvity Omics, Revvity
Classification: Uncertain significance. Last evaluated: 2024-02-13. Review status: criteria provided, single submitter. Criteria: ACMG Guidelines, 2015. Collection method: clinical testing. Allele origin: germline.

Mayo Clinic Laboratories, Mayo Clinic
Classification: Uncertain significance. Last evaluated: 2022-09-28. Review status: criteria provided, single submitter. Criteria: ACMG Guidelines, 2015. Collection method: clinical testing. Allele origin: germline. Observed: 1 variant allele.
Comment: PM2